The following is an entry in ClinVar:

NM_000540.3(RYR1):c.6557T>C (p.Met2186Thr)

Gene: RYR1 (ryanodine receptor 1; plus strand). Cytogenetic location: 19q13.2.
Variant type: single nucleotide variant.
Coding change: c.6557T>C on transcript NM_000540.3 (MANE Select); coding-DNA position 6557, T replaced by C.
Protein change: p.Met2186Thr; replaces methionine 2186 with threonine.
Molecular consequence: missense variant.
Genome position (GRCh38, 1-based): chr19:38,496,223, T>C. VCF-style: chr19-38496223-T-C. GRCh37 (hg19) VCF-style: chr19-38986863-T-C.
Other names: c.6557T>C, p.Met2186Thr (NM_001042723.2); short protein forms M2186T.
Identifiers: ClinVar variation 3684515 (VCV003684515.2).

ClinVar aggregate classification (germline): Uncertain significance (1 of 4 stars; one submission).

Conditions:
RYR1-related disorder. Also called: RYR1-related condition; RYR1-related disorders. Identifiers: MedGen CN239331.

gnomAD v4.1: 2 of 1,613,522 alleles (0.00012%); highest among the groups gnomAD compares: South Asian, 0.0022%; no homozygotes.

Submission:

Labcorp Genetics (formerly Invitae), Labcorp
Classification: Uncertain significance for RYR1-related disorder. Last evaluated: 2025-12-22. Review status: criteria provided, single submitter. Criteria: Invitae Variant Classification Sherloc (09022015). Collection method: clinical testing. Allele origin: germline.
Comment: This sequence change replaces methionine, which is neutral and non-polar, with threonine, which is neutral and polar, at codon 2186 of the RYR1 protein (p.Met2186Thr). This variant is not present in population databases (gnomAD no frequency). This variant has not been reported in the literature in individuals affected with RYR1-related conditions. ClinVar contains an entry for this variant (Variation ID: 3684515). Invitae Evidence Modeling of protein sequence and biophysical properties (such as structural, functional, and spatial information, amino acid conservation, physicochemical variation, residue mobility, and thermodynamic stability) indicates that this missense variant is expected to disrupt RYR1 protein function with a positive predictive value of 80%. In summary, the available evidence is currently insufficient to determine the role of this variant in disease. Therefore, it has been classified as a Variant of Uncertain Significance.